The following is an entry in ClinVar:

NM_007194.4(CHEK2):c.1563dup (p.Pro522fs)

Gene: CHEK2 (checkpoint kinase 2; minus strand). Cytogenetic location: 22q12.1.
Variant type: Duplication.
Coding change: c.1563dup on transcript NM_007194.4 (MANE Select); coding-DNA position 1563, one base duplicated (G; older notation c.1563dupG).
Protein change: p.Pro522fs; shifts the reading frame from proline 522.
Molecular consequence: frameshift variant.
Genome position (GRCh38, 1-based): chr22:28,687,966, C duplicated on the plus strand (G on the coding strand, the reverse complement: CHEK2 is on the minus strand); the first of 2 consecutive C bases (chr22:28,687,966-28,687,967); duplicating either gives the same sequence. VCF-style (leftmost placement, unchanged base first): chr22-28687965-G-GC. GRCh37 (hg19) VCF-style: chr22-29083953-G-GC.
Other names: c.1691dup, p.Pro565Alafs (NM_001005735.3); c.899dup, p.Pro301Alafs (NM_001257387.3); c.1361dup, p.Pro455Alafs (NM_001349956.3); c.1475dup, p.Pro493Alafs (NM_145862.3); short protein forms P301fs, P522fs, P455fs, P493fs, P565fs.
Identifiers: ClinVar variation 2091666 (VCV002091666.4), dbSNP rs786202339, ClinGen allele CA2580099516.

ClinVar aggregate classification (germline): Uncertain significance (1 of 4 stars; one submission).

Conditions:
Familial cancer of breast. Also called: hereditary breast carcinoma; BREAST CANCER, FAMILIAL; Hereditary breast cancer. Identifiers: Orphanet 227535, MedGen C0346153, MONDO:0016419, OMIM 114480. Disease mechanism: loss of function.

Submission:

Labcorp Genetics (formerly Invitae), Labcorp
Classification: Uncertain significance for Familial cancer of breast. Last evaluated: 2022-02-14. Review status: criteria provided, single submitter. Criteria: Invitae Variant Classification Sherloc (09022015). Collection method: clinical testing. Allele origin: germline.
Comment: This sequence change creates a premature translational stop signal (p.Pro522Alafs*3) in the CHEK2 gene. While this is not anticipated to result in nonsense mediated decay, it is expected to disrupt the last 22 amino acid(s) of the CHEK2 protein. This variant is not present in population databases (gnomAD no frequency). This variant has not been reported in the literature in individuals affected with CHEK2-related conditions. Experimental studies and prediction algorithms are not available or were not evaluated, and the functional significance of this variant is currently unknown. In summary, the available evidence is currently insufficient to determine the role of this variant in disease. Therefore, it has been classified as a Variant of Uncertain Significance.